The following is an entry in ClinVar:

NM_005886.3(KATNB1):c.1731G>A (p.Thr577=)

Gene: KATNB1 (katanin regulatory subunit B1; plus strand). Cytogenetic location: 16q21.
Variant type: single nucleotide variant.
Coding change: c.1731G>A on transcript NM_005886.3 (MANE Select); coding-DNA position 1731, G replaced by A.
Protein change: p.Thr577=; no amino-acid change (threonine 577 retained).
Molecular consequence: synonymous variant.
Genome position (GRCh38, 1-based): chr16:57,756,368, G>A. VCF-style: chr16-57756368-G-A. GRCh37 (hg19) VCF-style: chr16-57790280-G-A.
Identifiers: ClinVar variation 799879 (VCV000799879.28), dbSNP rs782609580, ClinGen allele CA8081366.

ClinVar aggregate classification (germline): Likely benign. Review status: criteria provided, multiple submitters, no conflicts (2 of 4 stars). 2 submissions from 2 submitters: Likely benign (2). Last evaluated 2022-05-01.

Allele frequency attached by ClinVar (database versions not stated): ExAC 0.00002; gnomAD exomes 0.00002; TOPMed 0.00004; gnomAD 0.00006 and 0.00007.
gnomAD v4.1: 50 of 1,613,900 alleles (0.0031%); highest among the groups gnomAD compares: Middle Eastern, 0.016%; no homozygotes.

Submissions (2):

CeGaT Center for Human Genetics Tuebingen
Classification: Likely benign. Last evaluated: 2022-05-01. Review status: criteria provided, single submitter. Criteria: CeGaT Center For Human Genetics Tuebingen Variant Classification Criteria Version 2. Collection method: clinical testing. Allele origin: germline. Affected: yes. Observed: 1 variant allele.
Comment: KATNB1: BP4, BP7

Labcorp Genetics (formerly Invitae), Labcorp
Classification: Likely benign. Last evaluated: 2019-12-31. Review status: criteria provided, single submitter. Criteria: Invitae Variant Classification Sherloc (09022015). Collection method: clinical testing. Allele origin: germline.